The following is an entry in ClinVar:

NM_014141.6(CNTNAP2):c.2780C>A (p.Ala927Asp)

Genes: CNTNAP2 (contactin associated protein 2; plus strand), LOC126860216 (BRD4-independent group 4 enhancer GRCh37_chr7:147868766-147869965; plus strand). Cytogenetic location: 7q35.
Variant type: single nucleotide variant.
Coding change: c.2780C>A on transcript NM_014141.6 (MANE Select); coding-DNA position 2780, C replaced by A.
Protein change: p.Ala927Asp; replaces alanine 927 with aspartic acid.
Molecular consequence: missense variant.
Genome position (GRCh38, 1-based): chr7:148,172,248, C>A. VCF-style: chr7-148172248-C-A. GRCh37 (hg19) VCF-style: chr7-147869340-C-A.
Other names: short protein forms A927D.
Identifiers: ClinVar variation 1389980 (VCV001389980.3), dbSNP rs2116690838, ClinGen allele CA369928316.

ClinVar aggregate classification (germline): Uncertain significance (1 of 4 stars; one submission).

Conditions:
Cortical dysplasia-focal epilepsy syndrome (PTHSL1). Also called: Pitt-Hopkins-like syndrome 1. Identifiers: Orphanet 163681, Orphanet 221150, MedGen C2750246, MONDO:0012400, OMIM 610042.

Submission:

Labcorp Genetics (formerly Invitae), Labcorp
Classification: Uncertain significance for Cortical dysplasia-focal epilepsy syndrome. Last evaluated: 2022-08-23. Review status: criteria provided, single submitter. Criteria: Invitae Variant Classification Sherloc (09022015). Collection method: clinical testing. Allele origin: germline.
Comment: This sequence change replaces alanine, which is neutral and non-polar, with aspartic acid, which is acidic and polar, at codon 927 of the CNTNAP2 protein (p.Ala927Asp). This variant is not present in population databases (gnomAD no frequency). This variant has not been reported in the literature in individuals affected with CNTNAP2-related conditions. ClinVar contains an entry for this variant (Variation ID: 1389980). Algorithms developed to predict the effect of missense changes on protein structure and function are either unavailable or do not agree on the potential impact of this missense change (SIFT: "Deleterious"; PolyPhen-2: "Probably Damaging"; Align-GVGD: "Class C0"). In summary, the available evidence is currently insufficient to determine the role of this variant in disease. Therefore, it has been classified as a Variant of Uncertain Significance.